The following is an entry in ClinVar:

NM_019066.5(MAGEL2):c.2096C>G (p.Pro699Arg)

Gene: MAGEL2 (MAGE family member L2; minus strand). Cytogenetic location: 15q11.2.
Variant type: single nucleotide variant.
Coding change: c.2096C>G on transcript NM_019066.5 (MANE Select); coding-DNA position 2096, C replaced by G.
Protein change: p.Pro699Arg; replaces proline 699 with arginine.
Molecular consequence: missense variant.
Genome position (GRCh38, 1-based): chr15:23,645,647, G>C on the plus strand (C>G on the coding strand, the complement: MAGEL2 is on the minus strand). VCF-style: chr15-23645647-G-C. GRCh37 (hg19) VCF-style: chr15-23890794-G-C.
Other names: short protein forms P699R.
Identifiers: ClinVar variation 4998146 (VCV004998146.1).
Genomic context (GRCh38, chr15:23,645,647, plus strand): 5'-CCTGATGGAGTCATCAATGATTTAGCGGAGCCCAGGGGAAAATTTGCCGCTGCTACCGGG[G>C]GTCCGGGCTGGGCCTGCAAGACTGCAGGCGGTGCCTGCCAGGAAGGCTGGAGCGGCAGTG-3'
Protein context (NP_061939.3, residues 689-709): PPAVLQAQPG[Pro699Arg]PVAAANFPLG

ClinVar aggregate classification (germline): Uncertain significance (1 of 4 stars; one submission).

Conditions:
MAGEL2-related disorder. Also called: MAGEL2-related condition.

Submission:

PreventionGenetics, part of Exact Sciences
Classification: Uncertain significance for MAGEL2-related condition. Last evaluated: 2025-03-31. Review status: criteria provided, single submitter. Criteria: ACMG Guidelines, 2015. Collection method: clinical testing. Allele origin: germline.
Comment: The MAGEL2 c.2096C>G variant is predicted to result in the amino acid substitution p.Pro699Arg. To our knowledge, this variant has not been reported in the literature or in a large population database (gnomAD), indicating this variant is rare. At this time, the clinical significance of this variant is uncertain due to the absence of conclusive functional and genetic evidence.